The following is an entry in ClinVar:

NM_001330677.2(TBX15):c.1150G>A (p.Val384Met)

Gene: TBX15 (T-box transcription factor 15; minus strand). Cytogenetic location: 1p12.
Variant type: single nucleotide variant.
Coding change: c.1150G>A on transcript NM_001330677.2 (MANE Select); coding-DNA position 1150, G replaced by A.
Protein change: p.Val384Met; replaces valine 384 with methionine.
Molecular consequence: missense variant.
Genome position (GRCh38, 1-based): chr1:118,885,391, C>T on the plus strand (G>A on the coding strand, the complement: TBX15 is on the minus strand). VCF-style: chr1-118885391-C-T. GRCh37 (hg19) VCF-style: chr1-119428014-C-T.
Other names: c.832G>A, p.Val278Met (NM_152380.3); c.832G>A (NM_152380.2); short protein forms V384M, V278M.
Identifiers: ClinVar variation 1434092 (VCV001434092.6), dbSNP rs368418125, ClinGen allele CA1034885.
Genomic context (GRCh38, chr1:118,885,391, plus strand): 5'-GGGCACATGGTGGATAATCAGAGAGGTTTAGATTACACAGCTGGCTTTCTCGGCAGCCCA[C>T]ATTGAAAGTGTTGGGGGCCAGATGAAAAGTTGGAGGAGAACAGGATGGAGATAAAAGATG-3'
Protein context (NP_001317606.1, residues 374-394): TFHLAPNTFN[Val384Met]GCRESQLCNL

ClinVar aggregate classification (germline): Uncertain significance. Review status: criteria provided, multiple submitters, no conflicts (2 of 4 stars). 3 submissions from 3 submitters: Uncertain significance (3). Last evaluated 2025-01-27.

Conditions:
Pelviscapular dysplasia. Identifiers: Orphanet 93333, MedGen C1850040, MONDO:0009845, OMIM 260660.

Allele frequency attached by ClinVar (database versions not stated): gnomAD exomes below 0.00001 and 0.00001; ExAC 0.00001; gnomAD 0.00008 and 0.00009; TOPMed 0.00009; ESP Exome Variant Server 0.00015.
gnomAD v4.1: 16 of 1,613,810 alleles (0.00099%); highest among the groups gnomAD compares: African/African-American, 0.019%; no homozygotes.

Submissions (3):

Labcorp Genetics (formerly Invitae), Labcorp
Classification: Uncertain significance. Last evaluated: 2025-01-27. Review status: criteria provided, single submitter. Criteria: Invitae Variant Classification Sherloc (09022015). Collection method: clinical testing. Allele origin: germline.
Comment: This sequence change replaces valine, which is neutral and non-polar, with methionine, which is neutral and non-polar, at codon 278 of the TBX15 protein (p.Val278Met). This variant is present in population databases (rs368418125, gnomAD 0.01%). This variant has not been reported in the literature in individuals affected with TBX15-related conditions. ClinVar contains an entry for this variant (Variation ID: 1434092). An algorithm developed to predict the effect of missense changes on protein structure and function (PolyPhen-2) suggests that this variant is likely to be disruptive. In summary, the available evidence is currently insufficient to determine the role of this variant in disease. Therefore, it has been classified as a Variant of Uncertain Significance.

Genome-Nilou Lab
Classification: Uncertain significance for Pelviscapular dysplasia. Last evaluated: 2023-04-11. Review status: criteria provided, single submitter. Criteria: ACMG Guidelines, 2015. Collection method: clinical testing. Allele origin: germline. Affected: no.

GeneDx
Classification: Uncertain significance. Last evaluated: 2022-08-12. Review status: criteria provided, single submitter. Criteria: GeneDx Variant Classification Process June 2021. Collection method: clinical testing. Allele origin: germline. Affected: yes.
Comment: In silico analysis supports that this missense variant does not alter protein structure/function; Has not been previously published as pathogenic or benign to our knowledge